The following is an entry in ClinVar:

NM_000128.4(F11):c.60T>A (p.Cys20Ter)

Gene: F11 (coagulation factor XI; plus strand). Cytogenetic location: 4q35.2.
Variant type: single nucleotide variant.
Coding change: c.60T>A on transcript NM_000128.4 (MANE Select); coding-DNA position 60, T replaced by A.
Protein change: p.Cys20Ter; replaces cysteine 20 with a stop codon.
Molecular consequence: nonsense.
Genome position (GRCh38, 1-based): chr4:186,271,613, T>A. VCF-style: chr4-186271613-T-A. GRCh37 (hg19) VCF-style: chr4-187192767-T-A.
Other names: c.60T>A, p.Cys20Ter (NM_001354804.2); short protein forms C20*.
Identifiers: ClinVar variation 1726585 (VCV001726585.2), dbSNP rs1739959023, ClinGen allele CA358957799.
Genomic context (GRCh38, chr4:186,271,613, plus strand): 5'-ACTAGATGTATGCCCAGTAAAATCCAACATAACGCATGCCATGTACTACATCACAGAATG[T>A]GTGACTCAGTTGTTGAAGGACACCTGCTTTGAAGGAGGGGACATTACTACGGTCTTCACA-3'

ClinVar aggregate classification (germline): Likely pathogenic (1 of 4 stars; one submission).

Conditions:
Hereditary factor XI deficiency disease. Also called: Congenital factor XI deficiency; PLASMA THROMBOPLASTIN ANTECEDENT DEFICIENCY; PTA DEFICIENCY; ROSENTHAL SYNDROME. Identifiers: Orphanet 329, MedGen C0015523, MeSH D005173, MONDO:0012897, OMIM 612416.

Submission:

Myriad Genetics, Inc.
Classification: Likely pathogenic for Hereditary factor XI deficiency disease. Last evaluated: 2021-12-30. Review status: criteria provided, single submitter. Criteria: Myriad Women's Health Autosomal Recessive and X-Linked Classification Criteria (2021). Collection method: clinical testing. Allele origin: unknown.
Comment: NM_000128.3(F11):c.60T>A(C20*) is expected to be pathogenic in the context of factor XI deficiency. This variant is predicted to lead to an abnormal or absent protein product due to the creation of a premature termination codon in F11, a gene where loss-of-function variants are known to be pathogenic. Please note: this variant was assessed in the context of healthy population screening.